The following is an entry in ClinVar:

NM_016239.4(MYO15A):c.4510del (p.Val1503_Val1504insTer)

Gene: MYO15A (myosin XVA; plus strand). Cytogenetic location: 17p11.2.
Variant type: Deletion.
Coding change: c.4510del on transcript NM_016239.4 (MANE Select); coding-DNA position 4510, one base deleted (G; older notation c.4510delG).
Protein change: p.Val1503_Val1504insTer.
Molecular consequence: nonsense.
Genome position (GRCh38, 1-based): chr17:18,135,738, G deleted; the last of 2 consecutive G bases (chr17:18,135,737-18,135,738); deleting either gives the same sequence. VCF-style (leftmost placement, unchanged base first): chr17-18135736-TG-T. GRCh37 (hg19) VCF-style: chr17-18039050-TG-T.
Identifiers: ClinVar variation 4531639 (VCV004531639.1).

ClinVar aggregate classification (germline): Pathogenic (1 of 4 stars; one submission).

Conditions:
Autosomal recessive nonsyndromic hearing loss 3. Also called: NEUROSENSORY NONSYNDROMIC RECESSIVE DEAFNESS 3. Identifiers: Orphanet 90636, MedGen C1838263, MONDO:0010860, OMIM 600316.

Submission:

Victorian Clinical Genetics Services, Murdoch Childrens Research Institute
Classification: Pathogenic for Autosomal recessive nonsyndromic hearing loss 3. Last evaluated: 2025-05-13. Review status: criteria provided, single submitter. Criteria: ACMG Guidelines, 2015. Collection method: clinical testing. Allele origin: germline. Affected: yes.
Comment: This variant is classified as Pathogenic. Evidence in support of pathogenic classification: Variant is predicted to cause nonsense-mediated decay (NMD) and loss of protein (premature termination codon is located at least 54 nucleotides upstream of the final exon-exon junction); Variant is present in gnomAD <0.01 for a recessive condition (v4: 6 heterozygote(s), 0 homozygote(s)); Other NMD-predicted variant(s) comparable to the one identified in this case have very strong previous evidence for pathogenicity (DECIPHER). Additional information: This variant is heterozygous; This gene is associated with autosomal recessive disease; Loss of function is a known mechanism of disease in this gene and is associated with deafness, autosomal recessive 3 (MIM#600316); Heterozygous variant detected in trans with a LIKELY PATHOGENIC heterozygous variant (NM_016239.4(MYO15A):c.6408G>C; p.(Trp2136Cys)) in a recessive disease.